The following is an entry in ClinVar:

NM_000503.6(EYA1):c.273-3T>C

Gene: EYA1 (EYA transcriptional coactivator and phosphatase 1; minus strand). Cytogenetic location: 8q13.3.
Variant type: single nucleotide variant.
Coding change: c.273-3T>C on transcript NM_000503.6 (MANE Select); 3 bases into the intron before coding-DNA position 273, T replaced by C.
Molecular consequence: intron variant.
Genome position (GRCh38, 1-based): chr8:71,321,882, A>G on the plus strand (T>C on the coding strand, the complement: EYA1 is on the minus strand). VCF-style: chr8-71321882-A-G. GRCh37 (hg19) VCF-style: chr8-72234117-A-G.
Other names: c.360-6T>C (NM_001370336.1); c.360-3T>C (NM_001370333.1, NM_172059.5); c.273-3T>C (NM_001370335.1, NM_001370334.1, NM_172058.4); c.-12-70T>C (NM_001288575.2); c.273-6T>C (NM_001288574.2).
Identifiers: ClinVar variation 1389408 (VCV001389408.7), dbSNP rs2129031680, ClinGen allele CA2573143316.

ClinVar aggregate classification (germline): Uncertain significance. Review status: criteria provided, multiple submitters, no conflicts (2 of 4 stars). 2 submissions from 2 submitters: Uncertain significance (2). Last evaluated 2024-04-15.

Conditions:
Melnick-Fraser syndrome (BOR). Also called: Branchiootorenal Syndrome (BORS); Branchio-oto-renal syndrome; Branchiootorenal syndrome. Identifiers: Orphanet 107, MedGen C0265234, MONDO:0007029.
Otofaciocervical syndrome 1 (OTFCS). Identifiers: MedGen C3714941, MONDO:0024532, OMIM 166780.
Branchiootic syndrome 1 (BOS1). Also called: BO SYNDROME 1; BRANCHIOOTIC DYSPLASIA. Identifiers: MedGen C1865143, MONDO:0011258, OMIM 602588.
Branchiootorenal syndrome 1. Also called: Branchio-Oto-Renal Syndrome 1. Identifiers: Orphanet 107, MedGen C4551702, MONDO:0007236, OMIM 113650.

Allele frequency attached by ClinVar (database versions not stated): gnomAD exomes below 0.00001.
gnomAD v4.1: 2 of 1,614,236 alleles (0.00012%); highest among the groups gnomAD compares: Non-Finnish European, 0.00017%; no homozygotes.

Submissions (2):

Labcorp Genetics (formerly Invitae), Labcorp
Classification: Uncertain significance for Melnick-Fraser syndrome. Last evaluated: 2024-04-15. Review status: criteria provided, single submitter. Criteria: Invitae Variant Classification Sherloc (09022015). Collection method: clinical testing. Allele origin: germline.
Comment: This sequence change falls in intron 5 of the EYA1 gene. It does not directly change the encoded amino acid sequence of the EYA1 protein. It affects a nucleotide within the consensus splice site. This variant is not present in population databases (gnomAD no frequency). This variant has not been reported in the literature in individuals affected with EYA1-related conditions. ClinVar contains an entry for this variant (Variation ID: 1389408). Variants that disrupt the consensus splice site are a relatively common cause of aberrant splicing (PMID: 17576681, 9536098). Algorithms developed to predict the effect of sequence changes on RNA splicing suggest that this variant is not likely to affect RNA splicing. In summary, the available evidence is currently insufficient to determine the role of this variant in disease. Therefore, it has been classified as a Variant of Uncertain Significance.

Fulgent Genetics
Classification: Uncertain significance for Branchiootorenal syndrome 1; Otofaciocervical syndrome 1; Branchiootic syndrome 1. Last evaluated: 2021-11-12. Review status: criteria provided, single submitter. Criteria: ACMG Guidelines, 2015. Collection method: clinical testing. Allele origin: unknown.

Literature cited by the submitters: PubMed 17576681 (cited by Labcorp Genetics (formerly Invitae), Labcorp); PubMed 9536098 (cited by Labcorp Genetics (formerly Invitae), Labcorp).